The following is an entry in ClinVar:

NM_021831.6(AGBL5):c.1825G>A (p.Val609Met)

Gene: AGBL5 (AGBL carboxypeptidase 5; plus strand). Cytogenetic location: 2p23.3.
Variant type: single nucleotide variant.
Coding change: c.1825G>A on transcript NM_021831.6 (MANE Select); coding-DNA position 1825, G replaced by A.
Protein change: p.Val609Met; replaces valine 609 with methionine.
Molecular consequence: missense variant. On other transcripts: non-coding transcript variant (2).
Genome position (GRCh38, 1-based): chr2:27,058,553, G>A. VCF-style: chr2-27058553-G-A. GRCh37 (hg19) VCF-style: chr2-27281421-G-A.
Other names: c.1825G>A, p.Val609Met (NM_001035507.3); c.1825G>A (NM_021831.5); short protein forms V609M.
Identifiers: ClinVar variation 1494285 (VCV001494285.9), dbSNP rs753418591, ClinGen allele CA1567977.

ClinVar aggregate classification (germline): Uncertain significance. Review status: criteria provided, multiple submitters, no conflicts (2 of 4 stars). 2 submissions from 2 submitters: Uncertain significance (2). Last evaluated 2025-05-06.

Conditions:
Inborn genetic diseases. Identifiers: MedGen C0950123, MeSH D030342.

Allele frequency attached by ClinVar (database versions not stated): gnomAD 0.00001; gnomAD exomes 0.00001 and 0.00003; ExAC 0.00002; TOPMed 0.00002.
gnomAD v4.1: 47 of 1,614,082 alleles (0.0029%); highest among the groups gnomAD compares: Non-Finnish European, 0.0038%; no homozygotes.

Submissions (2):

Ambry Genetics
Classification: Uncertain significance for Inborn genetic diseases. Last evaluated: 2025-05-06. Review status: criteria provided, single submitter. Criteria: Ambry Variant Classification Scheme 2023. Collection method: clinical testing. Allele origin: germline.

Labcorp Genetics (formerly Invitae), Labcorp
Classification: Uncertain significance. Last evaluated: 2022-06-11. Review status: criteria provided, single submitter. Criteria: Invitae Variant Classification Sherloc (09022015). Collection method: clinical testing. Allele origin: germline.
Comment: This variant has not been reported in the literature in individuals affected with AGBL5-related conditions. In summary, the available evidence is currently insufficient to determine the role of this variant in disease. Therefore, it has been classified as a Variant of Uncertain Significance. Algorithms developed to predict the effect of missense changes on protein structure and function output the following: SIFT: "Tolerated"; PolyPhen-2: "Benign"; Align-GVGD: "Class C0". The methionine amino acid residue is found in multiple mammalian species, which suggests that this missense change does not adversely affect protein function. This variant is present in population databases (rs753418591, gnomAD 0.003%). This sequence change replaces valine, which is neutral and non-polar, with methionine, which is neutral and non-polar, at codon 609 of the AGBL5 protein (p.Val609Met).